The following is an entry in ClinVar:

ClinVar aggregate classification (germline): Uncertain significance. Review status: criteria provided, multiple submitters, no conflicts (2 of 4 stars). 2 submissions from 2 submitters: Uncertain significance (2). Last evaluated 2025-12-18.

Conditions:
Leber congenital amaurosis 13 (LCA13). Identifiers: MedGen C2675186, MONDO:0012990, OMIM 612712.

Allele frequency attached by ClinVar (database versions not stated): TOPMed below 0.00001; ExAC 0.00002.
gnomAD v4.1: 7 of 1,614,200 alleles (0.00043%); highest among the groups gnomAD compares: Admixed American, 0.012%; 1 homozygote.

Submissions (2):

Labcorp Genetics (formerly Invitae), Labcorp
Classification: Uncertain significance for Leber congenital amaurosis 13. Last evaluated: 2025-12-18. Review status: criteria provided, single submitter. Criteria: Invitae Variant Classification Sherloc (09022015). Collection method: clinical testing. Allele origin: germline.
Comment: This sequence change replaces glutamic acid, which is acidic and polar, with aspartic acid, which is acidic and polar, at codon 77 of the RDH12 protein (p.Glu77Asp). This variant is present in population databases (rs773709615, gnomAD 0.02%). This variant has not been reported in the literature in individuals affected with RDH12-related conditions. ClinVar contains an entry for this variant (Variation ID: 2073784). Invitae Evidence Modeling of protein sequence and biophysical properties (such as structural, functional, and spatial information, amino acid conservation, physicochemical variation, residue mobility, and thermodynamic stability) indicates that this missense variant is not expected to disrupt RDH12 protein function with a negative predictive value of 80%. In summary, the available evidence is currently insufficient to determine the role of this variant in disease. Therefore, it has been classified as a Variant of Uncertain Significance.

Blueprint Genetics
Classification: Uncertain significance. Last evaluated: 2021-06-04. Review status: criteria provided, single submitter. Criteria: ACMG Guidelines, 2015. Collection method: clinical testing. Allele origin: germline.

NM_152443.3(RDH12):c.231G>T (p.Glu77Asp)

Genes: GPHN (gephyrin; plus strand), RDH12 (retinol dehydrogenase 12; plus strand). Cytogenetic location: 14q24.1.
Variant type: single nucleotide variant.
Coding change: c.231G>T on transcript NM_152443.3 (MANE Select); coding-DNA position 231, G replaced by T.
Protein change: p.Glu77Asp; replaces glutamic acid 77 with aspartic acid.
Molecular consequence: missense variant.
Genome position (GRCh38, 1-based): chr14:67,725,142, G>T. VCF-style: chr14-67725142-G-T. GRCh37 (hg19) VCF-style: chr14-68191859-G-T.
Other names: short protein forms E77D.
Identifiers: ClinVar variation 2073784 (VCV002073784.3), dbSNP rs773709615, ClinGen allele CA7238648.